The following is an entry in ClinVar:

NM_000038.6(APC):c.221-2A>G

Gene: APC (APC regulator of Wnt signaling pathway; plus strand). Cytogenetic location: 5q22.2.
Variant type: single nucleotide variant.
Coding change: c.221-2A>G on transcript NM_000038.6 (MANE Select); the canonical splice acceptor site of the intron before coding-DNA position 221, A replaced by G.
Molecular consequence: splice acceptor variant.
Genome position (GRCh38, 1-based): chr5:112,767,187, A>G. VCF-style: chr5-112767187-A-G. GRCh37 (hg19) VCF-style: chr5-112102884-A-G.
Other names: c.-815-2A>G (NM_001407470.1, NM_001407472.1, NM_001354906.2 and 1 more transcripts); c.221-2A>G (NM_001407447.1, NM_001354895.2, NM_001407456.1 and 16 more transcripts); c.251-2A>G (NM_001407446.1, NM_001354897.2, NM_001354902.2 and 1 more transcripts); c.44-2A>G (NM_001407453.1, NM_001354900.2, NM_001354901.2 and 1 more transcripts); c.146-2A>G (NM_001407451.1, NM_001354898.2, NM_001354904.2).
Identifiers: ClinVar variation 184117 (VCV000184117.29), dbSNP rs786201291, ClinGen allele CA007277.

ClinVar aggregate classification (germline): Pathogenic/Likely pathogenic. Review status: criteria provided, multiple submitters, no conflicts (2 of 4 stars). 7 submissions from 7 submitters: Pathogenic (6); Likely pathogenic (1). Last evaluated 2026-01-18.

Conditions:
Hereditary cancer-predisposing syndrome. Also called: Tumor predisposition; Hereditary Cancer Syndrome; Hereditary neoplastic syndrome; Neoplastic Syndromes, Hereditary. Identifiers: Orphanet 140162, MedGen C0027672, MeSH D009386, MONDO:0015356.
Classic or attenuated familial adenomatous polyposis. Identifiers: MedGen CN372698, MONDO:0021057.
Familial multiple polyposis syndrome (FAP). Also called: Familial adenomatous polyposis; Familial intestinal polyposis; Familial Adenomatous Polyposis (FAP); Familial polyposis; Classic familial adenomatous polyposis. Identifiers: Orphanet 733, MedGen C0032580, MONDO:0021055. Disease mechanism: loss of function.
Familial adenomatous polyposis 1 (FAP1). Also called: FAMILIAL ADENOMATOUS POLYPOSIS 1, ATTENUATED; POLYPOSIS, ADENOMATOUS INTESTINAL. Identifiers: MedGen C2713442, MONDO:0021056, OMIM 175100. Disease mechanism: loss of function.

Allele frequency attached by ClinVar (database versions not stated): gnomAD exomes below 0.00001 and 0.00001.
gnomAD v4.1: 8 of 1,611,140 alleles (0.0005%); highest among the groups gnomAD compares: African/African-American, 0.0013%; no homozygotes.

Submissions (7):

Labcorp Genetics (formerly Invitae), Labcorp
Classification: Pathogenic for Familial adenomatous polyposis 1. Last evaluated: 2026-01-18. Review status: criteria provided, single submitter. Criteria: Invitae Variant Classification Sherloc (09022015). Collection method: clinical testing. Allele origin: germline.
Comment: This sequence change affects an acceptor splice site in intron 3 of the APC gene. RNA analysis indicates that disruption of this splice site induces altered splicing and may result in an absent or altered protein product. This variant is present in population databases (rs786201291, gnomAD 0.007%). Disruption of this splice site has been observed in individual(s) with familial adenomatous polyposis (PMID: 18629394, 23159591). ClinVar contains an entry for this variant (Variation ID: 184117). Studies have shown that disruption of this splice site results in activation of a cryptic splice site, and produces a non-functional protein and/or introduces a premature termination codon (internal data). For these reasons, this variant has been classified as Pathogenic.

GeneDx
Classification: Pathogenic. Last evaluated: 2025-12-16. Review status: criteria provided, single submitter. Criteria: GeneDx Variant Classification Process June 2021. Collection method: clinical testing. Allele origin: germline. Affected: yes.
Comment: Identified in patients with personal or family history consistent with pathogenic variants in this gene (PMID: 18629394, 23159591, 36356413); Canonical splice site variant predicted to result in a null allele in a gene for which loss of function is a known mechanism of disease; Not observed at significant frequency in large population cohorts (gnomAD); Also known as IVS2-2A>G; This variant is associated with the following publications: (PMID: 22658618, 23159591, 25985138, 30720243, 33767345, 36356413, 28526081, 35430768, 38642551, 18629394)

Women's Health and Genetics/Laboratory Corporation of America, LabCorp
Classification: Pathogenic for Familial multiple polyposis syndrome. Last evaluated: 2024-07-29. Review status: criteria provided, single submitter. Criteria: LabCorp Variant Classification Summary - May 2015. Collection method: clinical testing. Allele origin: germline.
Comment: Variant summary: APC c.221-2A>G is located in a canonical splice-site and is predicted to affect mRNA splicing resulting in a significantly altered protein due to either exon skipping, shortening, or inclusion of intronic material. Variants that disrupt the consensus splice site are a relatively common cause of aberrant splicing and loss of APC function. Several computational tools predict a significant impact on normal splicing: Four predict the variant abolishes the canonical 3' acceptor site. However, these predictions have yet to be confirmed by functional studies. The variant allele was found at a frequency of 4e-06 in 251116 control chromosomes. c.221-2A>G has been reported in the literature in individuals affected with Familial Adenomatous Polyposis, Colorectal Cancer and Attenuated familial adenomatous polyposis (example, Beaton_2008, Kerr_2013,Svensson_2022). These data indicate that the variant is likely to be associated with disease. To our knowledge, no experimental evidence demonstrating an impact on protein function has been reported. The following publications have been ascertained in the context of this evaluation (PMID: 18629394, 23159591, 30720243, 35430768). ClinVar contains an entry for this variant (Variation ID: 184117). Based on the evidence outlined above, the variant was classified as pathogenic.

Color Diagnostics, LLC DBA Color Health
Classification: Pathogenic for Hereditary cancer-predisposing syndrome. Last evaluated: 2023-04-28. Review status: criteria provided, single submitter. Criteria: ACMG Guidelines, 2015. Collection method: clinical testing. Allele origin: germline.
Comment: This variant causes an A>G nucleotide substitution at the -2 position of intron 3 of the APC gene. Splice site prediction tools predict that this variant may have a significant impact on RNA splicing. Although this prediction has not been confirmed in published RNA studies, this variant is expected to result in an absent or disrupted protein product. This variant has been reported in at least seven individuals affected with adenomatous polyposis and/or colorectal cancer (PMID: 18629394, 23159591, 36356413; Color internal data; communication with an external laboratory). This variant has been identified in 1/251116 chromosomes in the general population by the Genome Aggregation Database (gnomAD). Loss of APC function is a known mechanism of disease. Based on the available evidence, this variant is classified as Pathogenic.

Myriad Genetics, Inc.
Classification: Likely pathogenic for Familial adenomatous polyposis 1. Last evaluated: 2023-04-25. Review status: criteria provided, single submitter. Criteria: Myriad Autosomal Dominant, Autosomal Recessive and X-Linked Classification Criteria (2023). Collection method: clinical testing. Allele origin: unknown.
Comment: This variant is considered likely pathogenic. This variant occurs within a consensus splice junction and is predicted to result in abnormal mRNA splicing of either an out-of-frame exon or an in-frame exon necessary for protein stability and/or normal function.

All of Us Research Program, National Institutes of Health
Classification: Pathogenic for Classic or attenuated familial adenomatous polyposis. Last evaluated: 2023-02-24. Review status: criteria provided, single submitter. Criteria: ACMG Guidelines, 2015. Collection method: clinical testing. Allele origin: germline. Inheritance: Autosomal dominant inheritance. Observed: 1 variant allele, 1 heterozygote.
Comment: This variant causes an A>G nucleotide substitution at the -2 position of intron 3 of the APC gene. Splice site prediction tools predict that this variant may have a significant impact on RNA splicing. Although this prediction has not been confirmed in published RNA studies, this variant is expected to result in an absent or disrupted protein product. This variant has been reported in at least six individuals affected with adenomatous polyposis and/or colorectal cancer (PMID: 18629394, 23159591; Color internal data; communication with an external laboratory). This variant has been identified in 1/251116 chromosomes in the general population by the Genome Aggregation Database (gnomAD). Loss of APC function is a known mechanism of disease. Based on the available evidence, this variant is classified as Pathogenic.

This study involves interpretation of variants in research participants for the purpose of population health screening. Participant phenotype was not available at the time of variant classification. Additional details can be found in publication PMID: 35346344, PMCID: PMC8962531

Ambry Genetics
Classification: Pathogenic for Hereditary cancer-predisposing syndrome. Last evaluated: 2023-02-22. Review status: criteria provided, single submitter. Criteria: Ambry Variant Classification Scheme 2023. Collection method: clinical testing. Allele origin: germline.
Comment: The c.221-2A>G intronic pathogenic mutation results from an A to G substitution two nucleotides upstream from coding exon 3 in the APC gene. This alteration has been reported in multiple patients and families with FAP and/or AFAP (Beaton et al. Can J Gastroenterol. 2008 Jul;202(7):634-6; Kerr SE et al. J Mol Diagn. 2013 Jan;15(1):31-43; Ambry internal data). In silico splice site analysis predicts that this alteration will weaken the native splice acceptor site and will result in the creation or strengthening of a novel splice acceptor site; however, direct evidence is insufficient at this time (Ambry internal data). In addition to the clinical data presented in the literature, alterations that disrupt the canonical splice site are expected to cause aberrant splicing, resulting in an abnormal protein or a transcript that is subject to nonsense-mediated mRNA decay. As such, this alteration is classified as a disease-causing mutation.

Literature cited by the submitters: PubMed 18629394 (cited by 4 submitters); PubMed 23159591 (cited by 4 submitters); PubMed 30720243 (cited by Women's Health and Genetics/Laboratory Corporation of America, LabCorp); PubMed 35430768 (cited by Women's Health and Genetics/Laboratory Corporation of America, LabCorp); PubMed 36356413 (cited by Color Diagnostics, LLC DBA Color Health).